The following is an entry in ClinVar:

NM_006767.4(LZTR1):c.1427A>G (p.Gln476Arg)

Gene: LZTR1 (leucine zipper like post translational regulator 1; plus strand). Cytogenetic location: 22q11.21.
Variant type: single nucleotide variant.
Coding change: c.1427A>G on transcript NM_006767.4 (MANE Select); coding-DNA position 1427, A replaced by G.
Protein change: p.Gln476Arg; replaces glutamine 476 with arginine.
Molecular consequence: missense variant.
Genome position (GRCh38, 1-based): chr22:20,993,997, A>G. VCF-style: chr22-20993997-A-G. GRCh37 (hg19) VCF-style: chr22-21348286-A-G.
Other names: short protein forms Q476R.
Identifiers: ClinVar variation 1772390 (VCV001772390.4), dbSNP rs774408200, ClinGen allele CA10118882.

ClinVar aggregate classification (germline): Uncertain significance. Review status: criteria provided, multiple submitters, no conflicts (2 of 4 stars). 2 submissions from 2 submitters: Uncertain significance (2). Last evaluated 2025-08-24.

Conditions:
Cardiovascular phenotype. Identifiers: MedGen CN230736.
Hereditary cancer-predisposing syndrome. Also called: Hereditary Cancer Syndrome; Hereditary neoplastic syndrome; Neoplastic Syndromes, Hereditary; Tumor predisposition. Identifiers: Orphanet 140162, MedGen C0027672, MeSH D009386, MONDO:0015356.

Allele frequency attached by ClinVar (database versions not stated): ExAC 0.00001; gnomAD exomes 0.00001.
gnomAD v4.1: 14 of 1,611,064 alleles (0.00087%); highest among the groups gnomAD compares: Non-Finnish European, 0.0011%; no homozygotes.

Submissions (2):

Labcorp Genetics (formerly Invitae), Labcorp
Classification: Uncertain significance. Last evaluated: 2025-08-24. Review status: criteria provided, single submitter. Criteria: Invitae Variant Classification Sherloc (09022015). Collection method: clinical testing. Allele origin: germline.
Comment: This sequence change replaces glutamine, which is neutral and polar, with arginine, which is basic and polar, at codon 476 of the LZTR1 protein (p.Gln476Arg). The frequency data for this variant in the population databases is considered unreliable, as metrics indicate poor data quality at this position in the gnomAD database. This variant has not been reported in the literature in individuals affected with LZTR1-related conditions. ClinVar contains an entry for this variant (Variation ID: 1772390). Invitae Evidence Modeling of protein sequence and biophysical properties (such as structural, functional, and spatial information, amino acid conservation, physicochemical variation, residue mobility, and thermodynamic stability) indicates that this missense variant is not expected to disrupt LZTR1 protein function with a negative predictive value of 80%. In summary, the available evidence is currently insufficient to determine the role of this variant in disease. Therefore, it has been classified as a Variant of Uncertain Significance.

Ambry Genetics
Classification: Uncertain significance for Cardiovascular phenotype; Hereditary cancer-predisposing syndrome. Last evaluated: 2024-08-30. Review status: criteria provided, single submitter. Criteria: Ambry Variant Classification Scheme 2023. Collection method: clinical testing. Allele origin: germline.
Comment: The p.Q476R variant (also known as c.1427A>G), located in coding exon 13 of the LZTR1 gene, results from an A to G substitution at nucleotide position 1427. The glutamine at codon 476 is replaced by arginine, an amino acid with highly similar properties. This amino acid position is highly conserved in available vertebrate species. In addition, the in silico prediction for this alteration is inconclusive. Based on the available evidence, the clinical significance of this variant remains unclear.